The following is an entry in ClinVar:

ClinVar aggregate classification (germline): Uncertain significance (1 of 4 stars; one submission).

Conditions:
Hereditary cancer-predisposing syndrome. Also called: Tumor predisposition; Hereditary neoplastic syndrome; Neoplastic Syndromes, Hereditary; Hereditary Cancer Syndrome. Identifiers: Orphanet 140162, MedGen C0027672, MeSH D009386, MONDO:0015356.

Submission:

Ambry Genetics
Classification: Uncertain significance for Hereditary cancer-predisposing syndrome. Last evaluated: 2025-03-31. Review status: criteria provided, single submitter. Criteria: Ambry Variant Classification Scheme 2023. Collection method: clinical testing. Allele origin: germline.
Comment: The p.Y1125S variant (also known as c.3374A>C), located in coding exon 28 of the EGFR gene, results from an A to C substitution at nucleotide position 3374. The tyrosine at codon 1125 is replaced by serine, an amino acid with dissimilar properties. This amino acid position is highly conserved in available vertebrate species. In addition, the in silico prediction for this alteration is inconclusive. Based on the available evidence, the clinical significance of this variant remains unclear.

NM_005228.5(EGFR):c.3374A>C (p.Tyr1125Ser)

Gene: EGFR (epidermal growth factor receptor; plus strand). Cytogenetic location: 7p11.2.
Variant type: single nucleotide variant.
Coding change: c.3374A>C on transcript NM_005228.5 (MANE Select); coding-DNA position 3374, A replaced by C.
Protein change: p.Tyr1125Ser; replaces tyrosine 1125 with serine.
Molecular consequence: missense variant.
Genome position (GRCh38, 1-based): chr7:55,205,358, A>C. VCF-style: chr7-55205358-A-C. GRCh37 (hg19) VCF-style: chr7-55273051-A-C.
Other names: c.3239A>C, p.Tyr1080Ser (NM_001346899.2); c.3215A>C, p.Tyr1072Ser (NM_001346900.2); c.2573A>C, p.Tyr858Ser (NM_001346941.2); short protein forms Y1125S, Y1080S, Y1072S, Y858S.
Identifiers: ClinVar variation 4016686 (VCV004016686.1).
Genomic context (GRCh38, chr7:55,205,358, plus strand): 5'-TGCAGAATCCTGTCTATCACAATCAGCCTCTGAACCCCGCGCCCAGCAGAGACCCACACT[A>C]CCAGGACCCCCACAGCACTGCAGTGGGCAACCCCGAGTATCTCAACACTGTCCAGCCCAC-3'
Protein context (NP_005219.2, residues 1115-1135): LNPAPSRDPH[Tyr1125Ser]QDPHSTAVGN